The following is an entry in ClinVar:

ClinVar aggregate classification (germline): Uncertain significance (1 of 4 stars; one submission).

Allele frequency attached by ClinVar (database versions not stated): gnomAD 0.00003 and 0.00004; gnomAD exomes 0.00003 and 0.00004; TOPMed 0.00003; ExAC 0.00012.
gnomAD v4.1: 40 of 1,597,570 alleles (0.0025%); highest among the groups gnomAD compares: Middle Eastern, 0.017%; no homozygotes.

Submission:

Labcorp Genetics (formerly Invitae), Labcorp
Classification: Uncertain significance. Last evaluated: 2025-08-09. Review status: criteria provided, single submitter. Criteria: Invitae Variant Classification Sherloc (09022015). Collection method: clinical testing. Allele origin: germline.
Comment: This sequence change affects codon 539 of the CLCN7 mRNA. It is a 'silent' change, meaning that it does not change the encoded amino acid sequence of the CLCN7 protein. This variant also falls at the last nucleotide of exon 17, which is part of the consensus splice site for this exon. This variant is present in population databases (rs772599781, gnomAD 0.02%). This variant has not been reported in the literature in individuals affected with CLCN7-related conditions. ClinVar contains an entry for this variant (Variation ID: 1353186). Variants that disrupt the consensus splice site are a relatively common cause of aberrant splicing (PMID: 17576681, 9536098). Algorithms developed to predict the effect of sequence changes on RNA splicing suggest that this variant may disrupt the consensus splice site. In summary, the available evidence is currently insufficient to determine the role of this variant in disease. Therefore, it has been classified as a Variant of Uncertain Significance.

Literature cited by the submitters: PubMed 17576681; PubMed 9536098.

NM_001287.6(CLCN7):c.1617G>A (p.Ala539=)

Gene: CLCN7 (chloride voltage-gated channel 7; minus strand). Cytogenetic location: 16p13.3.
Variant type: single nucleotide variant.
Coding change: c.1617G>A on transcript NM_001287.6 (MANE Select); coding-DNA position 1617, G replaced by A.
Protein change: p.Ala539=; no amino-acid change (alanine 539 retained).
Molecular consequence: synonymous variant.
Genome position (GRCh38, 1-based): chr16:1,450,497, C>T on the plus strand (G>A on the coding strand, the complement: CLCN7 is on the minus strand). VCF-style: chr16-1450497-C-T. GRCh37 (hg19) VCF-style: chr16-1500498-C-T.
Other names: c.1545G>A, p.Ala515= (NM_001114331.3).
Identifiers: ClinVar variation 1353186 (VCV001353186.6), dbSNP rs772599781, ClinGen allele CA7810160.